The following is an entry in ClinVar:

ClinVar aggregate classification (germline): Uncertain significance (1 of 4 stars; one submission).

Conditions:
BBS2-related disorder. Also called: BBS2-related condition; BBS2-related disorders. Identifiers: MedGen CN239228.

Submission:

PreventionGenetics, part of Exact Sciences
Classification: Uncertain significance for BBS2-related condition. Last evaluated: 2026-08-21. Review status: criteria provided, single submitter. Criteria: ACMG Guidelines, 2015. Collection method: clinical testing. Allele origin: germline.
Comment: The BBS2 c.1453G>C variant is predicted to result in the amino acid substitution p.Ala485Pro. To our knowledge, this variant has not been reported in the literature or in a large population database (gnomAD), indicating this variant is rare. At this time, the clinical significance of this variant is uncertain due to the absence of conclusive functional and genetic evidence.

NM_031885.5(BBS2):c.1453G>C (p.Ala485Pro)

Gene: BBS2 (Bardet-Biedl syndrome 2; minus strand). Cytogenetic location: 16q13.
Variant type: single nucleotide variant.
Coding change: c.1453G>C on transcript NM_031885.5 (MANE Select); coding-DNA position 1453, G replaced by C.
Protein change: p.Ala485Pro; replaces alanine 485 with proline.
Molecular consequence: missense variant. On other transcripts: non-coding transcript variant (5).
Genome position (GRCh38, 1-based): chr16:56,499,852, C>G on the plus strand (G>C on the coding strand, the complement: BBS2 is on the minus strand). VCF-style: chr16-56499852-C-G. GRCh37 (hg19) VCF-style: chr16-56533764-C-G.
Other names: c.1453G>C, p.Ala485Pro (NM_001377456.1); short protein forms A485P.
Identifiers: ClinVar variation 4994367 (VCV004994367.1).